The following is an entry in ClinVar:

ClinVar aggregate classification (germline): Uncertain significance. Review status: criteria provided, multiple submitters, no conflicts (2 of 4 stars). 2 submissions from 2 submitters: Uncertain significance (2). Last evaluated 2023-08-29.

Allele frequency attached by ClinVar (database versions not stated): gnomAD 0.00001; gnomAD exomes 0.00001; TOPMed 0.00001.
gnomAD v4.1: 8 of 1,613,184 alleles (0.0005%); highest among the groups gnomAD compares: Non-Finnish European, 0.00068%; no homozygotes.

Submissions (2):

Mayo Clinic Laboratories, Mayo Clinic
Classification: Uncertain significance. Last evaluated: 2023-08-29. Review status: criteria provided, single submitter. Criteria: ACMG Guidelines, 2015. Collection method: clinical testing. Allele origin: germline. Observed: 1 variant allele.
Comment: PP2, PP3

Athena Diagnostics
Classification: Uncertain significance. Last evaluated: 2021-11-08. Review status: criteria provided, single submitter. Criteria: Athena Diagnostics Criteria. Collection method: clinical testing. Allele origin: unknown.

NM_000435.3(NOTCH3):c.976G>A (p.Gly326Arg)

Gene: NOTCH3 (notch receptor 3; minus strand). Cytogenetic location: 19p13.12.
Variant type: single nucleotide variant.
Coding change: c.976G>A on transcript NM_000435.3 (MANE Select); coding-DNA position 976, G replaced by A.
Protein change: p.Gly326Arg; replaces glycine 326 with arginine.
Molecular consequence: missense variant.
Genome position (GRCh38, 1-based): chr19:15,191,484, C>T on the plus strand (G>A on the coding strand, the complement: NOTCH3 is on the minus strand). VCF-style: chr19-15191484-C-T. GRCh37 (hg19) VCF-style: chr19-15302295-C-T.
Other names: p.Gly326Arg; short protein forms G326R.
Identifiers: ClinVar variation 1807373 (VCV001807373.2), dbSNP rs1205104375, ClinGen allele CA404530927.